The following is an entry in ClinVar:

NM_003718.5(CDK13):c.1883A>G (p.Asn628Ser)

Gene: CDK13 (cyclin dependent kinase 13; plus strand). Cytogenetic location: 7p14.1.
Variant type: single nucleotide variant.
Coding change: c.1883A>G on transcript NM_003718.5 (MANE Select); coding-DNA position 1883, A replaced by G.
Protein change: p.Asn628Ser; replaces asparagine 628 with serine.
Molecular consequence: missense variant.
Genome position (GRCh38, 1-based): chr7:39,997,505, A>G. VCF-style: chr7-39997505-A-G. GRCh37 (hg19) VCF-style: chr7-40037104-A-G.
Other names: c.1883A>G, p.Asn628Ser (NM_031267.4); short protein forms N628S.
Identifiers: ClinVar variation 2791648 (VCV002791648.3), dbSNP rs1426879484, ClinGen allele CA367287075.

ClinVar aggregate classification (germline): Uncertain significance (1 of 4 stars; one submission).

Allele frequency attached by ClinVar (database versions not stated): gnomAD exomes below 0.00001; TOPMed below 0.00001; gnomAD 0.00001.
gnomAD v4.1: 2 of 1,595,068 alleles (0.00013%); highest among the groups gnomAD compares: East Asian, 0.0045%; no homozygotes.

Submission:

Labcorp Genetics (formerly Invitae), Labcorp
Classification: Uncertain significance. Last evaluated: 2023-03-25. Review status: criteria provided, single submitter. Criteria: Invitae Variant Classification Sherloc (09022015). Collection method: clinical testing. Allele origin: germline.
Comment: In summary, the available evidence is currently insufficient to determine the role of this variant in disease. Therefore, it has been classified as a Variant of Uncertain Significance. Advanced modeling of protein sequence and biophysical properties (such as structural, functional, and spatial information, amino acid conservation, physicochemical variation, residue mobility, and thermodynamic stability) performed at Invitae indicates that this missense variant is not expected to disrupt CDK13 protein function. This variant has not been reported in the literature in individuals affected with CDK13-related conditions. This variant is present in population databases (no rsID available, gnomAD 0.01%). This sequence change replaces asparagine, which is neutral and polar, with serine, which is neutral and polar, at codon 628 of the CDK13 protein (p.Asn628Ser).